The following is an entry in ClinVar:

NM_000642.3(AGL):c.3976del (p.Glu1326fs)

Gene: AGL (amylo-alpha-1,6-glucosidase and 4-alpha-glucanotransferase; plus strand). Cytogenetic location: 1p21.2.
Variant type: Deletion.
Coding change: c.3976del on transcript NM_000642.3 (MANE Select); coding-DNA position 3976, one base deleted (G; older notation c.3976delG).
Protein change: p.Glu1326fs; shifts the reading frame from glutamic acid 1326.
Molecular consequence: frameshift variant.
Genome position (GRCh38, 1-based): chr1:99,913,553, G deleted. VCF-style (leftmost placement, unchanged base first): chr1-99913552-TG-T. GRCh37 (hg19) VCF-style: chr1-100379108-TG-T.
Other names: c.3976delG, p.Glu1326Serfs (NM_000028.3, NM_000643.3, NM_000644.3 and 1 more transcripts); c.3928delG, p.Glu1310Serfs (NM_000646.3); c.3955delG, p.Glu1319Serfs (NM_001425326.1); c.3775delG, p.Glu1259Serfs (NM_001425327.1); c.3772delG, p.Glu1258Serfs (NM_001425328.1); c.3637delG, p.Glu1213Serfs (NM_001425329.1); c.3598delG, p.Glu1200Serfs (NM_001425332.1); short protein forms E1326fs, E1310fs.
Identifiers: ClinVar variation 1411291 (VCV001411291.6), dbSNP rs1654902207, ClinGen allele CA1004958388.
Genomic context (GRCh38, chr1:99,913,552, plus strand): 5'-TGATTAAAACTACCATGTCTTATGTCATTTTTCAGGAAAGGCTATAAAGGTCTCATATGA[TG>T]AGTGGAACAGAAAAATACAAGACAACTTTGAAAAGCTATTTCATGTTTCCGAAGACCCTT-3'

ClinVar aggregate classification (germline): Pathogenic (1 of 4 stars; one submission).

Conditions:
Glycogen storage disease type III (GSD3). Also called: Cori disease; FORBES DISEASE. Identifiers: Orphanet 366, MedGen C0017922, MONDO:0009291, OMIM 232400.

Allele frequency attached by ClinVar (database versions not stated): TOPMed below 0.00001; gnomAD 0.00001.

Submission:

Labcorp Genetics (formerly Invitae), Labcorp
Classification: Pathogenic for Glycogen storage disease type III. Last evaluated: 2020-12-25. Review status: criteria provided, single submitter. Criteria: Invitae Variant Classification Sherloc (09022015). Collection method: clinical testing. Allele origin: germline.
Comment: For these reasons, this variant has been classified as Pathogenic. This variant has not been reported in the literature in individuals with AGL-related conditions. This variant is not present in population databases (ExAC no frequency). This sequence change creates a premature translational stop signal (p.Glu1326Serfs*23) in the AGL gene. It is expected to result in an absent or disrupted protein product. Loss-of-function variants in AGL are known to be pathogenic (PMID: 19299494).

Literature cited by the submitters: PubMed 19299494.